The following is an entry in ClinVar:

NM_001128840.3(CACNA1D):c.214T>A (p.Ser72Thr)

Gene: CACNA1D (calcium voltage-gated channel subunit alpha1 D; plus strand). Cytogenetic location: 3p21.1.
Variant type: single nucleotide variant.
Coding change: c.214T>A on transcript NM_001128840.3 (MANE Select); coding-DNA position 214, T replaced by A.
Protein change: p.Ser72Thr; replaces serine 72 with threonine.
Molecular consequence: missense variant.
Genome position (GRCh38, 1-based): chr3:53,497,298, T>A. VCF-style: chr3-53497298-T-A. GRCh37 (hg19) VCF-style: chr3-53531325-T-A.
Other names: c.214T>A, p.Ser72Thr (NM_000720.4, NM_001128839.3); short protein forms S72T.
Identifiers: ClinVar variation 4776069 (VCV004776069.1).
Genomic context (GRCh38, chr3:53,497,298, plus strand): 5'-TCTTGGCAAGCTGCAATCGATGCTGCTAGACAGGCCAAGGCTGCCCAAACTATGAGCACC[T>A]CTGCACCCCCACCTGTAGGATCTCTCTCCCAAAGAAAACGTCAGCAATACGCCAAGAGCA-3'
Protein context (NP_001122312.1, residues 62-82): QAKAAQTMST[Ser72Thr]APPPVGSLSQ

ClinVar aggregate classification (germline): Uncertain significance (1 of 4 stars; one submission).

Submission:

Labcorp Genetics (formerly Invitae), Labcorp
Classification: Uncertain significance. Last evaluated: 2025-02-24. Review status: criteria provided, single submitter. Criteria: Invitae Variant Classification Sherloc (09022015). Collection method: clinical testing. Allele origin: germline.
Comment: This sequence change replaces serine, which is neutral and polar, with threonine, which is neutral and polar, at codon 72 of the CACNA1D protein (p.Ser72Thr). This variant is present in population databases (rs758400808, gnomAD 0.003%). This variant has not been reported in the literature in individuals affected with CACNA1D-related conditions. An algorithm developed to predict the effect of missense changes on protein structure and function (PolyPhen-2) suggests that this variant is likely to be tolerated. In summary, the available evidence is currently insufficient to determine the role of this variant in disease. Therefore, it has been classified as a Variant of Uncertain Significance.